The following is an entry in ClinVar:

NM_177438.3(DICER1):c.3582A>T (p.Arg1194Ser)

Gene: DICER1 (dicer 1, ribonuclease III; minus strand). Cytogenetic location: 14q32.13.
Variant type: single nucleotide variant.
Coding change: c.3582A>T on transcript NM_177438.3 (MANE Select); coding-DNA position 3582, A replaced by T.
Protein change: p.Arg1194Ser; replaces arginine 1194 with serine.
Molecular consequence: missense variant.
Genome position (GRCh38, 1-based): chr14:95,103,814, T>A on the plus strand (A>T on the coding strand, the complement: DICER1 is on the minus strand). VCF-style: chr14-95103814-T-A. GRCh37 (hg19) VCF-style: chr14-95570151-T-A.
Other names: c.3582A>T, p.Arg1194Ser (NM_001195573.1, NM_001271282.3, NM_001291628.2 and 1 more transcripts); short protein forms R1194S.
Identifiers: ClinVar variation 1447885 (VCV001447885.9), dbSNP rs2139964791, ClinGen allele CA390874831.
Genomic context (GRCh38, chr14:95,103,814, plus strand): 5'-AGTTGGTTGCACGGGTATTTCCTGCTTGTAGTAATTTAGCTGATTTCCTTGGCAAAAGTC[T>A]CTGTTAGCTAAATCATAACTGCCATTGGCGAGATTTTGATTGTAAGAAAGACCATTAATT-3'
Protein context (NP_803187.1, residues 1184-1204): LANGSYDLAN[Arg1194Ser]DFCQGNQLNY

ClinVar aggregate classification (germline): Uncertain significance (1 of 4 stars; one submission).

Conditions:
DICER1-related tumor predisposition. Also called: DICER1 syndrome; DICER1-related pleuropulmonary blastoma cancer predisposition syndrome. Identifiers: Orphanet 284343, MedGen C3839822, MONDO:0100216.

Submission:

Labcorp Genetics (formerly Invitae), Labcorp
Classification: Uncertain significance for DICER1-related tumor predisposition. Last evaluated: 2021-06-20. Review status: criteria provided, single submitter. Criteria: Invitae Variant Classification Sherloc (09022015). Collection method: clinical testing. Allele origin: germline.
Comment: This sequence change replaces arginine with serine at codon 1194 of the DICER1 protein (p.Arg1194Ser). The arginine residue is weakly conserved and there is a moderate physicochemical difference between arginine and serine. This variant is not present in population databases (ExAC no frequency). This variant has not been reported in the literature in individuals with DICER1-related conditions. Algorithms developed to predict the effect of missense changes on protein structure and function (SIFT, PolyPhen-2, Align-GVGD) all suggest that this variant is likely to be tolerated, but these predictions have not been confirmed by published functional studies and their clinical significance is uncertain. In summary, the available evidence is currently insufficient to determine the role of this variant in disease. Therefore, it has been classified as a Variant of Uncertain Significance.